The following is an entry in ClinVar:

NM_001329943.3(KIAA0586):c.2822A>G (p.Gln941Arg)

Gene: KIAA0586 (KIAA0586; plus strand). Cytogenetic location: 14q23.1.
Variant type: single nucleotide variant.
Coding change: c.2822A>G on transcript NM_001329943.3 (MANE Select); coding-DNA position 2822, A replaced by G.
Protein change: p.Gln941Arg; replaces glutamine 941 with arginine.
Molecular consequence: missense variant.
Genome position (GRCh38, 1-based): chr14:58,474,794, A>G. VCF-style: chr14-58474794-A-G. GRCh37 (hg19) VCF-style: chr14-58941512-A-G.
Other names: c.2822A>G, p.Gln941Arg (NM_001329944.2, NM_001329946.2, NM_001329947.2); c.2567A>G, p.Gln856Arg (NM_001329945.2, NM_001364700.1, NM_001364701.2 and 1 more transcripts); c.2594A>G, p.Gln865Arg (NM_014749.5); c.2981A>G, p.Gln994Arg (NM_001244189.2); c.2777A>G, p.Gln926Arg (NM_001244190.2); c.2690A>G, p.Gln897Arg (NM_001244192.2); c.2402A>G, p.Gln801Arg (NM_001244193.2); short protein forms Q801R, Q856R, Q865R, Q897R, Q926R, Q941R, Q994R.
Identifiers: ClinVar variation 1713736 (VCV001713736.5), dbSNP rs768032063, ClinGen allele CA389878201.

ClinVar aggregate classification (germline): Uncertain significance (1 of 4 stars; one submission).

Conditions:
Short-rib thoracic dysplasia 14 with polydactyly (SRTD14). Identifiers: Orphanet 397715, MedGen C4225286, MONDO:0014688, OMIM 616546.
Joubert syndrome 23 (JBTS23). Identifiers: Orphanet 475, MedGen C4084822, MONDO:0014664, OMIM 616490.

Submission:

Labcorp Genetics (formerly Invitae), Labcorp
Classification: Uncertain significance for Joubert syndrome 23; Short-rib thoracic dysplasia 14 with polydactyly. Last evaluated: 2022-08-19. Review status: criteria provided, single submitter. Criteria: Invitae Variant Classification Sherloc (09022015). Collection method: clinical testing. Allele origin: germline.
Comment: This sequence change replaces glutamine, which is neutral and polar, with arginine, which is basic and polar, at codon 994 of the KIAA0586 protein (p.Gln994Arg). This variant is not present in population databases (gnomAD no frequency). This variant has not been reported in the literature in individuals affected with KIAA0586-related conditions. Algorithms developed to predict the effect of missense changes on protein structure and function are either unavailable or do not agree on the potential impact of this missense change (SIFT: "Tolerated"; PolyPhen-2: "Possibly Damaging"; Align-GVGD: "Class C0"). In summary, the available evidence is currently insufficient to determine the role of this variant in disease. Therefore, it has been classified as a Variant of Uncertain Significance.